The following is an entry in ClinVar:

ClinVar aggregate classification (germline): Likely benign. Review status: criteria provided, multiple submitters, no conflicts (2 of 4 stars). 2 submissions from 2 submitters: Likely benign (2). Last evaluated 2024-07-02.

Conditions:
Hereditary breast ovarian cancer syndrome. Also called: Hereditary breast and ovarian cancer syndrome; Breast and ovarian cancer; BRCA1- and BRCA2-Associated Hereditary Breast and Ovarian Cancer; Hereditary breast and ovarian cancer syndrome (HBOC); Hereditary breast and/or ovarian cancer syndrome; Hereditary breast and ovarian cancer. Identifiers: Orphanet 145, MedGen C0677776, MeSH D061325, MONDO:0003582. Disease mechanism: loss of function.

Submissions (2):

Labcorp Genetics (formerly Invitae), Labcorp
Classification: Likely benign for Hereditary breast ovarian cancer syndrome. Last evaluated: 2024-07-02. Review status: criteria provided, single submitter. Criteria: Invitae Variant Classification Sherloc (09022015). Collection method: clinical testing. Allele origin: germline.

GeneDx
Classification: Likely benign. Last evaluated: 2017-07-25. Review status: criteria provided, single submitter. Criteria: GeneDx Variant Classification (06012015). Collection method: clinical testing. Allele origin: germline. Affected: yes.
Comment: This variant is considered likely benign or benign based on one or more of the following criteria: it is a conservative change, it occurs at a poorly conserved position in the protein, it is predicted to be benign by multiple in silico algorithms, and/or has population frequency not consistent with disease.

NM_000059.4(BRCA2):c.7977-19T>C

Gene: BRCA2 (BRCA2 DNA repair associated; plus strand). Cytogenetic location: 13q13.1.
Variant type: single nucleotide variant.
Coding change: c.7977-19T>C on transcript NM_000059.4 (MANE Select); 19 bases into the intron before coding-DNA position 7977, T replaced by C.
Molecular consequence: intron variant.
Genome position (GRCh38, 1-based): chr13:32,363,160, T>C. VCF-style: chr13-32363160-T-C. GRCh37 (hg19) VCF-style: chr13-32937297-T-C.
Identifiers: ClinVar variation 511133 (VCV000511133.4), dbSNP rs1555286925, ClinGen allele CA658798129.
Genomic context (GRCh38, chr13:32,363,160, plus strand): 5'-AGTTATTCAGTGACTTGTTTAAACAGTGGAATTCTAGAGTCACACTTCCTAAAATATGCA[T>C]TTTTGTTTTCACTTTTAGATATGATACGGAAATTGATAGAAGCAGAAGATCGGCTATAAA-3'